The following is an entry in ClinVar:

ClinVar aggregate classification (germline): Uncertain significance (1 of 4 stars; one submission).

Conditions:
Hereditary sensory and autonomic neuropathy type 6. Also called: Neuropathy, hereditary sensory and autonomic, type VI; HSAN VI. Identifiers: Orphanet 314381, MedGen C3539003, MONDO:0013839, OMIM 614653.
Epidermolysis bullosa simplex 3, localized or generalized intermediate, with BP230 deficiency (EBS3). Also called: Epidermolysis bullosa simplex, autosomal recessive 2; Epidermolysis bullosa simplex due to BP230 deficiency. Identifiers: Orphanet 412181, MedGen C3809470, MONDO:0014180, OMIM 615425.

Allele frequency attached by ClinVar (database versions not stated): gnomAD exomes below 0.00001 and 0.00002.
gnomAD v4.1: 34 of 1,614,156 alleles (0.0021%); highest among the groups gnomAD compares: Non-Finnish European, 0.0028%; no homozygotes.

Submission:

Labcorp Genetics (formerly Invitae), Labcorp
Classification: Uncertain significance for Epidermolysis bullosa simplex 3, localized or generalized intermediate, with BP230 deficiency; Hereditary sensory and autonomic neuropathy type 6. Last evaluated: 2022-01-15. Review status: criteria provided, single submitter. Criteria: Invitae Variant Classification Sherloc (09022015). Collection method: clinical testing. Allele origin: germline.
Comment: Algorithms developed to predict the effect of missense changes on protein structure and function are either unavailable or do not agree on the potential impact of this missense change (SIFT: "Tolerated"; PolyPhen-2: "Probably Damaging"; Align-GVGD: "Class C0"). This variant has not been reported in the literature in individuals affected with DST-related conditions. This variant is present in population databases (no rsID available, gnomAD 0.0009%). This sequence change replaces lysine, which is basic and polar, with arginine, which is basic and polar, at codon 1748 of the DST protein (p.Lys1748Arg). In summary, the available evidence is currently insufficient to determine the role of this variant in disease. Therefore, it has been classified as a Variant of Uncertain Significance.

NM_001723.7(DST):c.5243A>G (p.Lys1748Arg)

Gene: DST (dystonin; minus strand). Cytogenetic location: 6p12.1.
Variant type: single nucleotide variant.
Coding change: c.5243A>G on transcript NM_001723.7 (MANE Plus Clinical); coding-DNA position 5243, A replaced by G.
Protein change: p.Lys1748Arg; replaces lysine 1748 with arginine.
Molecular consequence: missense variant. On other transcripts: intron variant (10).
Genome position (GRCh38, 1-based): chr6:56,618,791, T>C on the plus strand (A>G on the coding strand, the complement: DST is on the minus strand). VCF-style: chr6-56618791-T-C. GRCh37 (hg19) VCF-style: chr6-56483589-T-C.
Other names: c.4831-4307A>G (NM_001144769.5); c.4930-4307A>G (NM_001374722.1, NM_001374736.1); c.4957-4307A>G (NM_001374734.1); c.4417-4307A>G (NM_001144770.2); c.4297-4307A>G (NM_001374730.1, NM_001386100.1, NM_183380.4 and 1 more transcripts); c.3319-4307A>G (NM_015548.5); short protein forms K1748R.
Identifiers: ClinVar variation 1410745 (VCV001410745.6), dbSNP rs1446128975, ClinGen allele CA364567820.